The following is an entry in ClinVar:

ClinVar aggregate classification (germline): Uncertain significance (1 of 4 stars; one submission).

Conditions:
Immunodeficiency 35 (IMD35). Also called: TYK2 DEFICIENCY; Susceptibility to infection due to TYK2 deficiency; HIES WITH ATYPICAL MYCOBACTERIOSIS, AUTOSOMAL RECESSIVE; HYPER-IgE SYNDROME WITH ATYPICAL MYCOBACTERIOSIS, AUTOSOMAL RECESSIVE. Identifiers: Orphanet 331226, MedGen C1969086, MONDO:0012682, OMIM 611521.

Submission:

Labcorp Genetics (formerly Invitae), Labcorp
Classification: Uncertain significance for Immunodeficiency 35. Last evaluated: 2022-07-05. Review status: criteria provided, single submitter. Criteria: Invitae Variant Classification Sherloc (09022015). Collection method: clinical testing. Allele origin: germline.
Comment: This sequence change replaces leucine with proline at codon 250 of the TYK2 protein (p.Leu250Pro). The leucine residue is highly conserved and there is a moderate physicochemical difference between leucine and proline. This variant is not present in population databases (gnomAD no frequency). This variant has not been reported in the literature in individuals affected with TYK2-related conditions. ClinVar contains an entry for this variant (Variation ID: 1385258). Algorithms developed to predict the effect of missense changes on protein structure and function are either unavailable or do not agree on the potential impact of this missense change (SIFT: "Not Available"; PolyPhen-2: "Probably Damaging"; Align-GVGD: "Not Available"). In summary, the available evidence is currently insufficient to determine the role of this variant in disease. Therefore, it has been classified as a Variant of Uncertain Significance.

NM_003331.5(TYK2):c.749T>C (p.Leu250Pro)

Gene: TYK2 (tyrosine kinase 2; minus strand). Cytogenetic location: 19p13.2.
Variant type: single nucleotide variant.
Coding change: c.749T>C on transcript NM_003331.5 (MANE Select); coding-DNA position 749, T replaced by C.
Protein change: p.Leu250Pro; replaces leucine 250 with proline.
Molecular consequence: missense variant.
Genome position (GRCh38, 1-based): chr19:10,365,779, A>G on the plus strand (T>C on the coding strand, the complement: TYK2 is on the minus strand). VCF-style: chr19-10365779-A-G. GRCh37 (hg19) VCF-style: chr19-10476455-A-G.
Other names: c.749T>C, p.Leu250Pro (NM_001385197.1, NM_001385198.1, NM_001385199.1 and 7 more transcripts); c.659T>C, p.Leu220Pro (NM_001385205.1); short protein forms L220P, L250P.
Identifiers: ClinVar variation 1385258 (VCV001385258.3), dbSNP rs2145252243, ClinGen allele CA404017176.
Genomic context (GRCh38, chr19:10,365,779, plus strand): 5'-AAGCGGGGTGCCAGCCGCTCGAGTGTGGCTAGGTATTTGACCATGACCATCTGCTGGGAG[A>G]GTCGGCCCGGCTGGAAGTCCCGCAGGAACCTGCGGAAGACGTTCCGAAGGCGCAGCCGGG-3'
Protein context (NP_003322.3, residues 240-260): RFLRDFQPGR[Leu250Pro]SQQMVMVKYL